The following is an entry in ClinVar:

ClinVar aggregate classification (germline): Uncertain significance (1 of 4 stars; one submission).

Conditions:
Autosomal dominant Parkinson disease 8. Also called: LRRK2-Related Parkinson Disease; Parkinson disease 8; Parkinson disease 8, susceptibility to. Identifiers: Orphanet 411602, MedGen C1846862, MONDO:0011764, OMIM 607060.

Submission:

Labcorp Genetics (formerly Invitae), Labcorp
Classification: Uncertain significance for Autosomal dominant Parkinson disease 8. Last evaluated: 2025-11-25. Review status: criteria provided, single submitter. Criteria: Invitae Variant Classification Sherloc (09022015). Collection method: clinical testing. Allele origin: germline.
Comment: This sequence change replaces alanine, which is neutral and non-polar, with glycine, which is neutral and non-polar, at codon 857 of the LRRK2 protein (p.Ala857Gly). This variant is not present in population databases (gnomAD no frequency). This variant has not been reported in the literature in individuals affected with LRRK2-related conditions. Invitae Evidence Modeling of protein sequence and biophysical properties (such as structural, functional, and spatial information, amino acid conservation, physicochemical variation, residue mobility, and thermodynamic stability) indicates that this missense variant is not expected to disrupt LRRK2 protein function with a negative predictive value of 80%. In summary, the available evidence is currently insufficient to determine the role of this variant in disease. Therefore, it has been classified as a Variant of Uncertain Significance.

NM_198578.4(LRRK2):c.2570C>G (p.Ala857Gly)

Gene: LRRK2 (leucine rich repeat kinase 2; plus strand). Cytogenetic location: 12q12.
Variant type: single nucleotide variant.
Coding change: c.2570C>G on transcript NM_198578.4 (MANE Select); coding-DNA position 2570, C replaced by G.
Protein change: p.Ala857Gly; replaces alanine 857 with glycine.
Molecular consequence: missense variant.
Genome position (GRCh38, 1-based): chr12:40,287,420, C>G. VCF-style: chr12-40287420-C-G. GRCh37 (hg19) VCF-style: chr12-40681222-C-G.
Other names: short protein forms A857G.
Identifiers: ClinVar variation 4745139 (VCV004745139.1).
Genomic context (GRCh38, chr12:40,287,420, plus strand): 5'-CTACACTAGCAAGAATGGTGATCAGATATCAGATGAAAAGTGCTGTGGAAGAAGGAACAG[C>G]CTCAGGCAGCGATGGAAATTTTTCTGAAGATGTGCTGTCTAAATTTGATGAATGGACCTT-3'
Protein context (NP_940980.4, residues 847-867): QMKSAVEEGT[Ala857Gly]SGSDGNFSED